The following is an entry in ClinVar:

ClinVar aggregate classification (germline): Uncertain significance (1 of 4 stars; one submission).

gnomAD v4.1: 5 of 1,535,972 alleles (0.00033%); highest among the groups gnomAD compares: Non-Finnish European, 0.00044%; no homozygotes.

Submission:

Dasa
Classification: Uncertain significance. Last evaluated: 2026-07-25. Review status: criteria provided, single submitter. Criteria: DASA Assertion Criteria. Collection method: clinical testing. Allele origin: germline.
Comment: NM_001348800.3(ZBTB20):c.2194G>A (p.Asp732Asn) is a missense variant that results in the substitution of aspartic acid with asparagine. This variant is rare in population databases. The currently available literature and clinical evidence are not sufficient to establish a definitive association between this variant and the reported condition. Therefore, this variant is classified as a variant of uncertain significance.

NM_001348800.3(ZBTB20):c.2194G>A (p.Asp732Asn)

Gene: ZBTB20 (zinc finger and BTB domain containing 20; minus strand). Cytogenetic location: 3q13.31.
Variant type: single nucleotide variant.
Coding change: c.2194G>A on transcript NM_001348800.3 (MANE Select); coding-DNA position 2194, G replaced by A.
Protein change: p.Asp732Asn; replaces aspartic acid 732 with asparagine.
Molecular consequence: missense variant. On other transcripts: non-coding transcript variant (1).
Genome position (GRCh38, 1-based): chr3:114,339,037, C>T on the plus strand (G>A on the coding strand, the complement: ZBTB20 is on the minus strand). VCF-style: chr3-114339037-C-T. GRCh37 (hg19) VCF-style: chr3-114057884-C-T.
Other names: c.2194G>A, p.Asp732Asn (NM_001164342.2, NM_001348803.3, NM_001393393.1 and 1 more transcripts); c.1975G>A, p.Asp659Asn (NM_001164343.2, NM_001164344.4, NM_001164345.4 and 9 more transcripts); short protein forms D659N, D732N.
Identifiers: ClinVar variation 5020132 (VCV005020132.1).
Genomic context (GRCh38, chr3:114,339,037, plus strand): 5'-GTTCATAAGAAAGAGAGAAAGATACTACTTATCCGTCAGACACATGCATCCTCATGTGGT[C>T]GTTGAACTGCTCGATTTGGTCAAACTTTGCTGGGCAGACGGAGCAGACGTAAGTGGTCCC-3'
Protein context (NP_001335729.1, residues 722-741): AKFDQIEQFN[Asp732Asn]HMRMHVSDG